The following is an entry in ClinVar:

NM_000824.5(GLRB):c.423T>C (p.Pro141=)

Gene: GLRB (glycine receptor beta; plus strand). Cytogenetic location: 4q32.1.
Variant type: single nucleotide variant.
Coding change: c.423T>C on transcript NM_000824.5 (MANE Select); coding-DNA position 423, T replaced by C.
Protein change: p.Pro141=; no amino-acid change (proline 141 retained).
Molecular consequence: synonymous variant.
Genome position (GRCh38, 1-based): chr4:157,136,594, T>C. VCF-style: chr4-157136594-T-C. GRCh37 (hg19) VCF-style: chr4-158057746-T-C.
Other names: c.423T>C, p.Pro141= (NM_001166060.2, NM_001166061.2).
Identifiers: ClinVar variation 902677 (VCV000902677.11), dbSNP rs145564477, ClinGen allele CA3119749.

ClinVar aggregate classification (germline): Likely benign. Review status: criteria provided, multiple submitters, no conflicts (2 of 4 stars). 2 submissions from 2 submitters: Likely benign (2). Last evaluated 2025-12-21.

Conditions:
Hyperekplexia 2 (HKPX2). Identifiers: Orphanet 3197, MedGen C3553291, MONDO:0013828, OMIM 614619.

Allele frequency attached by ClinVar (database versions not stated): gnomAD 0.00004 and 0.00005; TOPMed 0.00005; gnomAD exomes 0.00006 and 0.00007; ExAC 0.00007; ESP Exome Variant Server 0.00023; 1000 Genomes Project 30x 0.00031; 1000 Genomes Project 0.00040.
gnomAD v4.1: 102 of 1,612,506 alleles (0.0063%); highest among the groups gnomAD compares: Non-Finnish European, 0.0081%; no homozygotes.

Submissions (2):

Labcorp Genetics (formerly Invitae), Labcorp
Classification: Likely benign for Hyperekplexia 2. Last evaluated: 2025-12-21. Review status: criteria provided, single submitter. Criteria: Invitae Variant Classification Sherloc (09022015). Collection method: clinical testing. Allele origin: germline.

Illumina Laboratory Services, Illumina
Classification: Likely benign for Hyperekplexia 2. Last evaluated: 2018-01-13. Review status: criteria provided, single submitter. Criteria: ICSL Variant Classification Criteria 13 December 2019. Collection method: clinical testing. Allele origin: germline.
Comment: This variant was observed in the ICSL laboratory as part of a predisposition screen in an ostensibly healthy population. It had not been previously curated by ICSL or reported in the Human Gene Mutation Database (HGMD: prior to June 1st, 2018), and was therefore a candidate for classification through an automated scoring system. Utilizing variant allele frequency, disease prevalence and penetrance estimates, and inheritance mode, an automated score was calculated to assess if this variant is too frequent to cause the disease. Based on the score and internal cut-off values, a variant classified as likely benign is not then subjected to further curation. The score for this variant resulted in a classification of likely benign for this disease.